The following is an entry in ClinVar:

NM_000532.5(PCCB):c.368_369delinsTAAC (p.Ser123fs)

Gene: PCCB (propionyl-CoA carboxylase subunit beta; plus strand). Cytogenetic location: 3q22.3.
Variant type: Indel.
Coding change: c.368_369delinsTAAC on transcript NM_000532.5 (MANE Select); coding-DNA positions 368 to 369, GT replaced by TAAC.
Protein change: p.Ser123fs; shifts the reading frame from serine 123.
Molecular consequence: frameshift variant.
Genome position (GRCh38, 1-based): chr3:136,256,619-136,256,620, GT replaced by TAAC. VCF-style: chr3-136256619-GT-TAAC. GRCh37 (hg19) VCF-style: chr3-135975461-GT-TAAC.
Other names: c.368_369delinsTAAC, p.Ser123fs (NM_001178014.2); short protein forms S123fs.
Identifiers: ClinVar variation 3588604 (VCV003588604.2).
Genomic context (GRCh38, chr3:136,256,619, plus strand): 5'-CTGGAGACAGCGTGGTCACTGGACGAGGCCGAATCAATGGAAGATTGGTTTATGTCTTCA[GT>TAAC]CAGGTATTTCATAACTCCAATAGTCTGAACTTTTCTTGGAGGGCAGAGCCAAGAGGAAAA-3'

ClinVar aggregate classification (germline): Pathogenic/Likely pathogenic. Review status: criteria provided, multiple submitters, no conflicts (2 of 4 stars). 2 submissions from 2 submitters: Pathogenic (1); Likely pathogenic (1). Last evaluated 2024-08-05.

Conditions:
Propionic acidemia (PROP). Also called: GLYCINEMIA, KETOTIC; HYPERGLYCINEMIA WITH KETOACIDOSIS AND LEUKOPENIA; KETOTIC HYPERGLYCINEMIA. Identifiers: Orphanet 35, MedGen C0268579, MONDO:0011628, OMIM 606054, HP:0003571.

Submissions (2):

Myriad Genetics, Inc.
Classification: Pathogenic for Propionic acidemia. Last evaluated: 2024-08-05. Review status: criteria provided, single submitter. Criteria: Myriad Autosomal Dominant, Autosomal Recessive and X-Linked Classification Criteria (2023). Collection method: clinical testing. Allele origin: unknown.
Comment: NM_000532.4(PCCB):c.368_369delGTinsTAAC(S123Ifs*28) is expected to be pathogenic in the context of PCCB-related propionic acidemia. This variant is predicted to lead to an abnormal or absent protein product due to the creation of a premature termination codon in PCCB, a gene where loss-of-function variants are known to be pathogenic. Please note: this variant was assessed in the context of healthy population screening.

Fulgent Genetics
Classification: Likely pathogenic for Propionic acidemia. Last evaluated: 2024-05-23. Review status: criteria provided, single submitter. Criteria: ACMG Guidelines, 2015. Collection method: clinical testing. Allele origin: germline.